The following is an entry in ClinVar:

NM_004655.4(AXIN2):c.2410T>A (p.Tyr804Asn)

Gene: AXIN2 (axin 2; minus strand). Cytogenetic location: 17q24.1.
Variant type: single nucleotide variant.
Coding change: c.2410T>A on transcript NM_004655.4 (MANE Select); coding-DNA position 2410, T replaced by A.
Protein change: p.Tyr804Asn; replaces tyrosine 804 with asparagine.
Molecular consequence: missense variant.
Genome position (GRCh38, 1-based): chr17:65,530,098, A>T on the plus strand (T>A on the coding strand, the complement: AXIN2 is on the minus strand). VCF-style: chr17-65530098-A-T. GRCh37 (hg19) VCF-style: chr17-63526216-A-T.
Other names: c.2215T>A, p.Tyr739Asn (NM_001363813.1); short protein forms Y739N, Y804N.
Identifiers: ClinVar variation 1722131 (VCV001722131.5), dbSNP rs2043791618, ClinGen allele CA400674980.

ClinVar aggregate classification (germline): Uncertain significance (1 of 4 stars; one submission).

Conditions:
Oligodontia-cancer predisposition syndrome. Also called: TOOTH AGENESIS-COLORECTAL CANCER SYNDROME. Identifiers: Orphanet 300576, MedGen C1837750, MONDO:0012075, OMIM 608615. Disease mechanism: loss of function.

Submission:

Labcorp Genetics (formerly Invitae), Labcorp
Classification: Uncertain significance for Oligodontia-cancer predisposition syndrome. Last evaluated: 2022-10-25. Review status: criteria provided, single submitter. Criteria: Invitae Variant Classification Sherloc (09022015). Collection method: clinical testing. Allele origin: germline.
Comment: This sequence change replaces tyrosine, which is neutral and polar, with asparagine, which is neutral and polar, at codon 804 of the AXIN2 protein (p.Tyr804Asn). This variant is not present in population databases (gnomAD no frequency). In summary, the available evidence is currently insufficient to determine the role of this variant in disease. Therefore, it has been classified as a Variant of Uncertain Significance. Advanced modeling of protein sequence and biophysical properties (such as structural, functional, and spatial information, amino acid conservation, physicochemical variation, residue mobility, and thermodynamic stability) performed at Invitae indicates that this missense variant is expected to disrupt AXIN2 protein function. This variant has not been reported in the literature in individuals affected with AXIN2-related conditions.